The following is an entry in ClinVar:

NM_031308.4(EPPK1):c.1510C>T (p.Arg504Trp)

Gene: EPPK1 (epiplakin 1; minus strand). Cytogenetic location: 8q24.3.
Variant type: single nucleotide variant.
Coding change: c.1510C>T on transcript NM_031308.4 (MANE Select); coding-DNA position 1510, C replaced by T.
Protein change: p.Arg504Trp; replaces arginine 504 with tryptophan.
Molecular consequence: missense variant.
Genome position (GRCh38, 1-based): chr8:143,871,744, G>A on the plus strand (C>T on the coding strand, the complement: EPPK1 is on the minus strand). VCF-style: chr8-143871744-G-A. GRCh37 (hg19) VCF-style: chr8-144945912-G-A.
Other names: short protein forms R504W.
Identifiers: ClinVar variation 3045253 (VCV003045253.2), dbSNP rs187335528, ClinGen allele CA4923336.

ClinVar aggregate classification (germline): Likely benign (0 of 4 stars; one submission).

Conditions:
EPPK1-related disorder. Also called: EPPK1-related condition.

Allele frequency attached by ClinVar (database versions not stated): ESP Exome Variant Server 0.00025; gnomAD exomes 0.00051; gnomAD 0.00074; TOPMed 0.00106; ExAC 0.00163; 1000 Genomes Project 30x 0.00265; 1000 Genomes Project 0.00280.
gnomAD v4.1: 839 of 1,610,162 alleles (0.052%); highest among the groups gnomAD compares: East Asian, 1.5%; 8 homozygotes.

Submission:

PreventionGenetics, part of Exact Sciences
Classification: Likely benign for EPPK1-related condition. Last evaluated: 2021-05-05. Review status: no assertion criteria provided. Collection method: clinical testing. Allele origin: germline.
Comment: This variant is classified as likely benign based on ACMG/AMP sequence variant interpretation guidelines (Richards et al. 2015 PMID: 25741868, with internal and published modifications).